The following is an entry in ClinVar:

NM_014845.6(FIG4):c.539C>T (p.Thr180Ile)

Gene: FIG4 (FIG4 phosphoinositide 5-phosphatase; plus strand). Cytogenetic location: 6q21.
Variant type: single nucleotide variant.
Coding change: c.539C>T on transcript NM_014845.6 (MANE Select); coding-DNA position 539, C replaced by T.
Protein change: p.Thr180Ile; replaces threonine 180 with isoleucine.
Molecular consequence: missense variant.
Genome position (GRCh38, 1-based): chr6:109,735,191, C>T. VCF-style: chr6-109735191-C-T. GRCh37 (hg19) VCF-style: chr6-110056394-C-T.
Other names: short protein forms T180I.
Identifiers: ClinVar variation 1919264 (VCV001919264.5), dbSNP rs1418037678, ClinGen allele CA365219252.
Genomic context (GRCh38, chr6:109,735,191, plus strand): 5'-GTTTCAATTCTGTTCTCAGTTACAGCTATGATTTGTCCCACTCACTTCAATATAATCTCA[C>T]TGTCTTGCGAATGCCCCTGGAGATGTTAAAGTCAGAAATGACCCAGAATCGCCAAGAGAG-3'
Protein context (NP_055660.1, residues 170-190): DLSHSLQYNL[Thr180Ile]VLRMPLEMLK

ClinVar aggregate classification (germline): Uncertain significance (1 of 4 stars; one submission).

Conditions:
Charcot-Marie-Tooth disease type 4. Also called: Charcot-Marie-Tooth disease, type IV; Charcot-Marie-Tooth, Type 4. Identifiers: Orphanet 64749, MedGen C4082197, MONDO:0018995.

Allele frequency attached by ClinVar (database versions not stated): gnomAD exomes below 0.00001.
gnomAD v4.1: 1 of 1,612,718 alleles (0.000062%); highest among the groups gnomAD compares: Non-Finnish European, 0.000085%; no homozygotes.

Submission:

Labcorp Genetics (formerly Invitae), Labcorp
Classification: Uncertain significance for Charcot-Marie-Tooth disease type 4. Last evaluated: 2022-03-12. Review status: criteria provided, single submitter. Criteria: Invitae Variant Classification Sherloc (09022015). Collection method: clinical testing. Allele origin: germline.
Comment: In summary, the available evidence is currently insufficient to determine the role of this variant in disease. Therefore, it has been classified as a Variant of Uncertain Significance. Algorithms developed to predict the effect of missense changes on protein structure and function are either unavailable or do not agree on the potential impact of this missense change (SIFT: "Deleterious"; PolyPhen-2: "Possibly Damaging"; Align-GVGD: "Class C0"). This variant has not been reported in the literature in individuals affected with FIG4-related conditions. This variant is not present in population databases (gnomAD no frequency). This sequence change replaces threonine, which is neutral and polar, with isoleucine, which is neutral and non-polar, at codon 180 of the FIG4 protein (p.Thr180Ile).